The following is an entry in ClinVar:

ClinVar aggregate classification (germline): Likely benign (1 of 4 stars; one submission).

Submission:

CeGaT Center for Human Genetics Tuebingen
Classification: Likely benign. Last evaluated: 2026-02-01. Review status: criteria provided, single submitter. Criteria: CeGaT Center For Human Genetics Tuebingen Variant Classification Criteria Version 2. Collection method: clinical testing. Allele origin: germline. Affected: yes. Observed: 1 variant allele.
Comment: GTF2I: BP4, BP7

NM_032999.4(GTF2I):c.1812G>A (p.Pro604=)

Genes: GTF2I (general transcription factor IIi; plus strand), LOC106029312 (Williams-Beuren syndrome medial block B recombination region; plus strand). Cytogenetic location: 7q11.23.
Variant type: single nucleotide variant.
Coding change: c.1812G>A on transcript NM_032999.4 (MANE Select); coding-DNA position 1812, G replaced by A.
Protein change: p.Pro604=; no amino-acid change (proline 604 retained).
Molecular consequence: synonymous variant.
Genome position (GRCh38, 1-based): chr7:74,744,819, G>A. VCF-style: chr7-74744819-G-A. GRCh37 (hg19) VCF-style: chr7-74159158-G-A.
Other names: c.1746G>A, p.Pro582= (NM_001163636.3); c.1689G>A, p.Pro563= (NM_001518.5); c.1752G>A, p.Pro584= (NM_033000.4); c.1749G>A, p.Pro583= (NM_033001.4).
Identifiers: ClinVar variation 4821422 (VCV004821422.4).